The following is an entry in ClinVar:

NM_003906.5(MCM3AP):c.613del (p.Ser205fs)

Gene: MCM3AP (minichromosome maintenance complex component 3 associated protein; minus strand). Cytogenetic location: 21q22.3.
Variant type: Deletion.
Coding change: c.613del on transcript NM_003906.5 (MANE Select); coding-DNA position 613, one base deleted (T; older notation c.613delT).
Protein change: p.Ser205fs; shifts the reading frame from serine 205.
Molecular consequence: frameshift variant.
Genome position (GRCh38, 1-based): chr21:46,284,674, A deleted on the plus strand (T on the coding strand, the reverse complement: MCM3AP is on the minus strand); the first of 2 consecutive A bases (chr21:46,284,674-46,284,675); deleting either gives the same sequence. VCF-style (leftmost placement, unchanged base first): chr21-46284673-GA-G. GRCh37 (hg19) VCF-style: chr21-47704587-GA-G.
Other names: short protein forms S205fs.
Identifiers: ClinVar variation 1932011 (VCV001932011.5), dbSNP rs2517439109, ClinGen allele CA2580098987.

ClinVar aggregate classification (germline): Pathogenic (1 of 4 stars; one submission).

Submission:

Labcorp Genetics (formerly Invitae), Labcorp
Classification: Pathogenic. Last evaluated: 2022-01-16. Review status: criteria provided, single submitter. Criteria: Invitae Variant Classification Sherloc (09022015). Collection method: clinical testing. Allele origin: germline.
Comment: This variant is not present in population databases (gnomAD no frequency). This sequence change creates a premature translational stop signal (p.Ser205Glnfs*27) in the MCM3AP gene. It is expected to result in an absent or disrupted protein product. Loss-of-function variants in MCM3AP are known to be pathogenic (PMID: 28633435). For these reasons, this variant has been classified as Pathogenic. This variant has not been reported in the literature in individuals affected with MCM3AP-related conditions.

Literature cited by the submitters: PubMed 28633435.